The following is an entry in ClinVar:

ClinVar aggregate classification (germline): Uncertain significance. Review status: criteria provided, multiple submitters, no conflicts (2 of 4 stars). 3 submissions from 3 submitters: Uncertain significance (3). Last evaluated 2026-01-13.

Conditions:
LRSAM1-related disorder. Also called: LRSAM1-related condition.
Charcot-Marie-Tooth disease axonal type 2P. Also called: Charcot-Marie-Tooth Neuropathy Type 2G; CHARCOT-MARIE-TOOTH DISEASE, AXONAL, TYPE 2G; CMT 2G; CHARCOT-MARIE-TOOTH NEUROPATHY, TYPE 2P. Identifiers: Orphanet 300319, Orphanet 99941, MedGen C3280797, MONDO:0013753, OMIM 614436.
Inborn genetic diseases. Identifiers: MedGen C0950123, MeSH D030342.

Allele frequency attached by ClinVar (database versions not stated): gnomAD 0.00001; TOPMed 0.00001; gnomAD exomes 0.00002; ExAC 0.00005; 1000 Genomes Project 30x 0.00031; 1000 Genomes Project 0.00040.
gnomAD v4.1: 30 of 1,613,452 alleles (0.0019%); highest among the groups gnomAD compares: South Asian, 0.032%; no homozygotes.

Submissions (3):

PreventionGenetics, part of Exact Sciences
Classification: Uncertain significance for LRSAM1-related condition. Last evaluated: 2026-01-13. Review status: criteria provided, single submitter. Criteria: ACMG Guidelines, 2015. Collection method: clinical testing. Allele origin: germline.
Comment: The LRSAM1 c.1063A>G variant is predicted to result in the amino acid substitution p.Ile355Val. To our knowledge, this variant has not been reported in the literature. This variant is reported in 0.026% of alleles in individuals of South Asian descent in gnomAD. At this time, the clinical significance of this variant is uncertain due to the absence of conclusive functional and genetic evidence.

Labcorp Genetics (formerly Invitae), Labcorp
Classification: Uncertain significance for Charcot-Marie-Tooth disease axonal type 2P. Last evaluated: 2023-02-09. Review status: criteria provided, single submitter. Criteria: Invitae Variant Classification Sherloc (09022015). Collection method: clinical testing. Allele origin: germline.
Comment: In summary, the available evidence is currently insufficient to determine the role of this variant in disease. Therefore, it has been classified as a Variant of Uncertain Significance. Advanced modeling of protein sequence and biophysical properties (such as structural, functional, and spatial information, amino acid conservation, physicochemical variation, residue mobility, and thermodynamic stability) performed at Invitae indicates that this missense variant is not expected to disrupt LRSAM1 protein function. ClinVar contains an entry for this variant (Variation ID: 1780930). This variant has not been reported in the literature in individuals affected with LRSAM1-related conditions. This variant is present in population databases (rs535634164, gnomAD 0.03%). This sequence change replaces isoleucine, which is neutral and non-polar, with valine, which is neutral and non-polar, at codon 355 of the LRSAM1 protein (p.Ile355Val).

Ambry Genetics
Classification: Uncertain significance for Inborn genetic diseases. Last evaluated: 2021-07-20. Review status: criteria provided, single submitter. Criteria: Ambry Variant Classification Scheme 2023. Collection method: clinical testing. Allele origin: germline.

NM_001005373.4(LRSAM1):c.1063A>G (p.Ile355Val)

Gene: LRSAM1 (leucine rich repeat and sterile alpha motif containing 1; plus strand). Cytogenetic location: 9q33.3.
Variant type: single nucleotide variant.
Coding change: c.1063A>G on transcript NM_001005373.4 (MANE Select); coding-DNA position 1063, A replaced by G.
Protein change: p.Ile355Val; replaces isoleucine 355 with valine.
Molecular consequence: missense variant. On other transcripts: non-coding transcript variant (2).
Genome position (GRCh38, 1-based): chr9:127,481,202, A>G. VCF-style: chr9-127481202-A-G. GRCh37 (hg19) VCF-style: chr9-130243481-A-G.
Other names: c.1063A>G, p.Ile355Val (NM_001005374.4, NM_001190723.3, NM_001384142.1 and 2 more transcripts); c.274A>G, p.Ile92Val (NM_001384144.1); short protein forms I355V, I92V.
Identifiers: ClinVar variation 1780930 (VCV001780930.6), dbSNP rs535634164, ClinGen allele CA5246820.
Genomic context (GRCh38, chr9:127,481,202, plus strand): 5'-CTGCTGGTGACTGCCAGGACCTTTTATGATTTTCTCCACAGACAAAAGAAAAGCTCCGAG[A>G]TTTTGAAATCGCTGGAAAATGAAAGGTAAGTGTTCTTCCAGGGGAGGGCAGCATTTTTTT-3'
Protein context (NP_001005373.1, residues 345-365): DNQRQKKSSE[Ile355Val]LKSLENERIR